The following is an entry in ClinVar:

NM_000350.3(ABCA4):c.5932A>G (p.Lys1978Glu)

Gene: ABCA4 (ATP binding cassette subfamily A member 4; minus strand). Cytogenetic location: 1p22.1.
Variant type: single nucleotide variant.
Coding change: c.5932A>G on transcript NM_000350.3 (MANE Select); coding-DNA position 5932, A replaced by G.
Protein change: p.Lys1978Glu; replaces lysine 1978 with glutamic acid.
Molecular consequence: missense variant.
Genome position (GRCh38, 1-based): chr1:94,007,707, T>C on the plus strand (A>G on the coding strand, the complement: ABCA4 is on the minus strand). VCF-style: chr1-94007707-T-C. GRCh37 (hg19) VCF-style: chr1-94473263-T-C.
Other names: c.5710A>G, p.Lys1904Glu (NM_001425324.1); short protein forms K1978E, K1904E.
Identifiers: ClinVar variation 417994 (VCV000417994.12), dbSNP rs1064793014, ClinGen allele CA16617200.

ClinVar aggregate classification (germline): Pathogenic/Likely pathogenic. Review status: criteria provided, multiple submitters, no conflicts (2 of 4 stars). 6 submissions from 6 submitters: Pathogenic (2); Likely pathogenic (3). 1 of the submissions does not count toward it. Last evaluated 2025-06-25.

Conditions:
Age related macular degeneration 2. Also called: MACULAR DEGENERATION, SENILE; MACULOPATHY, AGE-RELATED, 2; MACULOPATHY, AGE-RELATED. Identifiers: MedGen C3495438, MONDO:0007932, OMIM 153800.
Severe early-childhood-onset retinal dystrophy (STGD1). Also called: STGD; Stargardt macular dystrophy; Juvenile onset macular degeneration; Stargardt disease 1; MACULAR DYSTROPHY WITH FLECKS, TYPE 1. Identifiers: Orphanet 364055, Orphanet 827, MedGen C1855465, MeSH D000080362, MONDO:0009549, OMIM 248200.
ABCA4-related disorder. Also called: ABCA4-related disorders; ABCA4-related condition. Identifiers: MedGen CN239167.
Retinal dystrophy. Also called: Inherited retinal dystrophy. Identifiers: Orphanet 71862, MedGen C0854723, MeSH D058499, MONDO:0019118, HP:0000556.

Allele frequency attached by ClinVar (database versions not stated): gnomAD exomes below 0.00001; TOPMed below 0.00001.
gnomAD v4.1: 1 of 1,614,078 alleles (0.000062%); highest among the groups gnomAD compares: African/African-American, 0.0013%; no homozygotes.

Submissions (6):

Labcorp Genetics (formerly Invitae), Labcorp
Classification: Pathogenic. Last evaluated: 2025-06-25. Review status: criteria provided, single submitter. Criteria: Invitae Variant Classification Sherloc (09022015). Collection method: clinical testing. Allele origin: germline.
Comment: This sequence change replaces lysine, which is basic and polar, with glutamic acid, which is acidic and polar, at codon 1978 of the ABCA4 protein (p.Lys1978Glu). This variant is not present in population databases (gnomAD no frequency). This missense change has been observed in individual(s) with ABCA4-related conditions (PMID: 25066811, 28041643; internal data). ClinVar contains an entry for this variant (Variation ID: 417994). Invitae Evidence Modeling of protein sequence and biophysical properties (such as structural, functional, and spatial information, amino acid conservation, physicochemical variation, residue mobility, and thermodynamic stability) indicates that this missense variant is expected to disrupt ABCA4 protein function with a positive predictive value of 95%. For these reasons, this variant has been classified as Pathogenic.

Blueprint Genetics
Classification: Likely pathogenic for ABCA4-related disorders. Last evaluated: 2023-10-05. Review status: criteria provided, single submitter. Criteria: ACMG Guidelines, 2015. Collection method: clinical testing. Allele origin: germline. Affected: yes. Observed: 3 variant alleles.

3billion
Classification: Likely pathogenic for Severe early-childhood-onset retinal dystrophy. Last evaluated: 2022-05-22. Review status: criteria provided, single submitter. Criteria: ACMG Guidelines, 2015. Collection method: clinical testing. Allele origin: germline. Affected: yes. Observed: 1 heterozygote.
Comment: The variant is not observed in the gnomAD v2.1.1 dataset. In silico tool predictions suggest damaging effect of the variant on gene or gene product (REVEL: 0.99; 3Cnet: 0.99). Same nucleotide change resulting in same amino acid change has been previously reported to be associated with ABCA4 related disorder (ClinVar ID: VCV000417994 / PMID: 25066811). The variant has been reported to be in trans with a pathogenic variant as either compound heterozygous or homozygous in at least one similarly affected unrelated individual (PMID: 25066811). Therefore, this variant is classified as likely pathogenic according to the recommendation of ACMG/AMP guideline.

Mendelics
Classification: Pathogenic for Age related macular degeneration 2. Last evaluated: 2022-05-04. Review status: criteria provided, single submitter. Criteria: Mendelics Assertion Criteria 2019. Collection method: clinical testing. Allele origin: germline.

GeneDx
Classification: Likely pathogenic. Last evaluated: 2017-09-26. Review status: criteria provided, single submitter. Criteria: GeneDx Variant Classification (06012015). Collection method: clinical testing. Allele origin: germline. Affected: yes.
Comment: The K1978E variant has been published as a pathogenic variant in association with Stargardt disease (Zernant et al., 2014) and observed in trans with other pathogenic variants in patients tested at GeneDx. The K1978E variant is not observed in large population cohorts (Lek et al., 2016). The K1978E variant is a non-conservative amino acid substitution, which is likely to impact secondary protein structure as these residues differ in polarity, charge, size and/or other properties. This substitution occurs at a position that is conserved across species. In silico analysis predicts this variant is probably damaging to the protein structure/function. Missense variants in nearby residues (G1977S, T1979I, T1981R) have been reported in the Human Gene Mutation Database in association with ABCA4-related disorders (Stenson et al., 2014). In summary, based on the currently available information, this variant is likely pathogenic.

NIHR Bioresource Rare Diseases, University of Cambridge
Classification: Likely pathogenic for Retinal dystrophy. Last evaluated: 2015-01-01. Review status: no assertion criteria provided. Collection method: research. Allele origin: unknown. Affected: yes. Observed: 1 variant allele. Not counted in ClinVar's aggregate classification.

Literature cited by the submitters: PubMed 25066811 (cited by 3 submitters); PubMed 28041643 (cited by Labcorp Genetics (formerly Invitae), Labcorp and NIHR Bioresource Rare Diseases, University of Cambridge).